The following is an entry in ClinVar:

ClinVar aggregate classification (germline): Uncertain significance. Review status: criteria provided, multiple submitters, no conflicts (2 of 4 stars). 2 submissions from 2 submitters: Uncertain significance (2). Last evaluated 2025-01-07.

Conditions:
Familial acute necrotizing encephalopathy (IIAE3). Also called: ENCEPHALOPATHY, ACUTE, INFECTION-INDUCED, SUSCEPTIBILITY TO, 3; Susceptibility to Acute Necrotizing Encephalopathy 1. Identifiers: Orphanet 88619, MedGen C2675556, MONDO:0011953, OMIM 608033.

Allele frequency attached by ClinVar (database versions not stated): gnomAD 0.00001 and 0.00002; gnomAD exomes 0.00003 and 0.00008; TOPMed 0.00003; ExAC 0.00008.
gnomAD v4.1: 53 of 1,613,876 alleles (0.0033%); highest among the groups gnomAD compares: Admixed American, 0.032%; no homozygotes.

Submissions (2):

Ambry Genetics
Classification: Uncertain significance. Last evaluated: 2025-01-07. Review status: criteria provided, single submitter. Criteria: Ambry Variant Classification Scheme 2023. Collection method: clinical testing. Allele origin: germline.

Labcorp Genetics (formerly Invitae), Labcorp
Classification: Uncertain significance for Familial acute necrotizing encephalopathy. Last evaluated: 2020-10-09. Review status: criteria provided, single submitter. Criteria: Invitae Variant Classification Sherloc (09022015). Collection method: clinical testing. Allele origin: germline.
Comment: This sequence change replaces arginine with glutamine at codon 1096 of the RANBP2 protein (p.Arg1096Gln). The arginine residue is highly conserved and there is a small physicochemical difference between arginine and glutamine. This variant is present in population databases (rs774748190, ExAC 0.04%), and has an allele count higher than expected for a pathogenic variant (PMID: 28166811). This variant has not been reported in the literature in individuals with RANBP2-related conditions. Algorithms developed to predict the effect of missense changes on protein structure and function are either unavailable or do not agree on the potential impact of this missense change (SIFT: "Deleterious"; PolyPhen-2: "Benign"; Align-GVGD: "Class C35"). In summary, the available evidence is currently insufficient to determine the role of this variant in disease. Therefore, it has been classified as a Variant of Uncertain Significance.

Literature cited by the submitters: PubMed 28166811 (cited by Labcorp Genetics (formerly Invitae), Labcorp).

NM_006267.5(RANBP2):c.3287G>A (p.Arg1096Gln)

Gene: RANBP2 (RAN binding protein 2; plus strand). Cytogenetic location: 2q13.
Variant type: single nucleotide variant.
Coding change: c.3287G>A on transcript NM_006267.5 (MANE Select); coding-DNA position 3287, G replaced by A.
Protein change: p.Arg1096Gln; replaces arginine 1096 with glutamine.
Molecular consequence: missense variant.
Genome position (GRCh38, 1-based): chr2:108,763,826, G>A. VCF-style: chr2-108763826-G-A. GRCh37 (hg19) VCF-style: chr2-109380282-G-A.
Other names: short protein forms R1096Q.
Identifiers: ClinVar variation 965265 (VCV000965265.11), dbSNP rs774748190, ClinGen allele CA1822913.